The following is an entry in ClinVar:

NM_003002.4(SDHD):c.25_36delinsAACC (p.Ala9fs)

Genes: SDHD (succinate dehydrogenase complex subunit D; plus strand), LOC126861339 (BRD4-independent group 4 enhancer GRCh37_chr11:111957035-111958234; plus strand). Cytogenetic location: 11q23.1.
Variant type: Indel.
Coding change: c.25_36delinsAACC on transcript NM_003002.4 (MANE Select); coding-DNA positions 25 to 36, GCCGTTTGCGGT replaced by AACC.
Protein change: p.Ala9fs; shifts the reading frame from alanine 9.
Molecular consequence: frameshift variant. On other transcripts: non-coding transcript variant (1).
Genome position (GRCh38, 1-based): chr11:112,086,932-112,086,943, GCCGTTTGCGGT replaced by AACC. VCF-style: chr11-112086932-GCCGTTTGCGGT-AACC. GRCh37 (hg19) VCF-style: chr11-111957656-GCCGTTTGCGGT-AACC.
Other names: c.25_36delinsAACC, p.Ala9fs (NM_001276503.2, NM_001276504.2, NM_001276506.2); short protein forms A9fs.
Identifiers: ClinVar variation 3438808 (VCV003438808.1).
Genomic context (GRCh38, chr11:112,086,932, plus strand): 5'-CGGGTTGGTGGATGACCTTGAGCCCTCAGGAACGAGATGGCGGTTCTCTGGAGGCTGAGT[GCCGTTTGCGGT>AACC]GCCCTAGGAGGCCGAGGTGAGGGGTCTTCCCACCCTGAGGTGCTTAGCGTAGCCTCCAGC-3'

ClinVar aggregate classification (germline): Pathogenic (1 of 4 stars; one submission).

Conditions:
Hereditary cancer-predisposing syndrome. Also called: Tumor predisposition; Neoplastic Syndromes, Hereditary; Hereditary neoplastic syndrome; Hereditary Cancer Syndrome. Identifiers: Orphanet 140162, MedGen C0027672, MeSH D009386, MONDO:0015356.

Submission:

Ambry Genetics
Classification: Pathogenic for Hereditary cancer-predisposing syndrome. Last evaluated: 2024-10-14. Review status: criteria provided, single submitter. Criteria: Ambry Variant Classification Scheme 2023. Collection method: clinical testing. Allele origin: germline.
Comment: The c.25_36del12insAACC pathogenic mutation, located in coding exon 1 of the SDHD gene, results from the deletion of 12 nucleotides and insertion of 4 nucleotides (AACC) causing a translational frameshift with a predicted alternate stop codon (p.A9Nfs*57). This variant has been observed in at least one individual with a personal and/or family history that is consistent with paraganglioma-pheochromocytoma syndrome (Ambry internal data). This variant is considered to be rare based on population cohorts in the Genome Aggregation Database (gnomAD). This alteration is expected to result in loss of function by premature protein truncation or nonsense-mediated mRNA decay. As such, this alteration is interpreted as a disease-causing mutation.